The following is an entry in ClinVar:

ClinVar aggregate classification (germline): Uncertain significance. Review status: criteria provided, multiple submitters, no conflicts (2 of 4 stars). 2 submissions from 2 submitters: Uncertain significance (2). Last evaluated 2024-04-13.

Conditions:
Hereditary nonpolyposis colorectal neoplasms. Identifiers: MedGen C0009405, MeSH D003123.
Hereditary cancer-predisposing syndrome. Also called: Neoplastic Syndromes, Hereditary; Tumor predisposition; Hereditary Cancer Syndrome; Hereditary neoplastic syndrome. Identifiers: Orphanet 140162, MedGen C0027672, MeSH D009386, MONDO:0015356.

gnomAD v4.1: 1 of 1,592,994 alleles (0.000063%); no homozygotes.

Submissions (2):

Labcorp Genetics (formerly Invitae), Labcorp
Classification: Uncertain significance for Hereditary nonpolyposis colorectal neoplasms. Last evaluated: 2024-04-13. Review status: criteria provided, single submitter. Criteria: Invitae Variant Classification Sherloc (09022015). Collection method: clinical testing. Allele origin: germline.
Comment: This sequence change replaces asparagine, which is neutral and polar, with histidine, which is basic and polar, at codon 1020 of the MSH6 protein (p.Asn1020His). This variant is not present in population databases (gnomAD no frequency). This variant has not been reported in the literature in individuals affected with MSH6-related conditions. ClinVar contains an entry for this variant (Variation ID: 483795). Advanced modeling of protein sequence and biophysical properties (such as structural, functional, and spatial information, amino acid conservation, physicochemical variation, residue mobility, and thermodynamic stability) performed at Invitae indicates that this missense variant is not expected to disrupt MSH6 protein function with a negative predictive value of 95%. In summary, the available evidence is currently insufficient to determine the role of this variant in disease. Therefore, it has been classified as a Variant of Uncertain Significance.

Ambry Genetics
Classification: Uncertain significance for Hereditary cancer-predisposing syndrome. Last evaluated: 2021-05-04. Review status: criteria provided, single submitter. Criteria: Ambry Variant Classification Scheme 2023. Collection method: clinical testing. Allele origin: germline.
Comment: The p.N1020H variant (also known as c.3058A>C), located in coding exon 4 of the MSH6 gene, results from an A to C substitution at nucleotide position 3058. The asparagine at codon 1020 is replaced by histidine, an amino acid with similar properties. This amino acid position is not well conserved in available vertebrate species. In addition, the in silico prediction for this alteration is inconclusive. Since supporting evidence is limited at this time, the clinical significance of this alteration remains unclear.

NM_000179.3(MSH6):c.3058A>C (p.Asn1020His)

Gene: MSH6 (mutS homolog 6; plus strand). Cytogenetic location: 2p16.3.
Variant type: single nucleotide variant.
Coding change: c.3058A>C on transcript NM_000179.3 (MANE Select); coding-DNA position 3058, A replaced by C.
Protein change: p.Asn1020His; replaces asparagine 1020 with histidine.
Molecular consequence: missense variant.
Genome position (GRCh38, 1-based): chr2:47,801,041, A>C. VCF-style: chr2-47801041-A-C. GRCh37 (hg19) VCF-style: chr2-48028180-A-C.
Other names: c.2668A>C, p.Asn890His (NM_001281492.2); c.2152A>C, p.Asn718His (NM_001281493.2, NM_001281494.2); short protein forms N1020H, N890H, N718H.
Identifiers: ClinVar variation 483795 (VCV000483795.15), dbSNP rs1553414438, ClinGen allele CA346756517.